The following is an entry in ClinVar:

NM_006204.4(PDE6C):c.1783A>T (p.Met595Leu)

Gene: PDE6C (phosphodiesterase 6C; plus strand). Cytogenetic location: 10q23.33.
Variant type: single nucleotide variant.
Coding change: c.1783A>T on transcript NM_006204.4 (MANE Select); coding-DNA position 1783, A replaced by T.
Protein change: p.Met595Leu; replaces methionine 595 with leucine.
Molecular consequence: missense variant.
Genome position (GRCh38, 1-based): chr10:93,640,965, A>T. VCF-style: chr10-93640965-A-T. GRCh37 (hg19) VCF-style: chr10-95400722-A-T.
Other names: short protein forms M595L.
Identifiers: ClinVar variation 2121420 (VCV002121420.4), dbSNP rs2492534226, ClinGen allele CA377619170.
Genomic context (GRCh38, chr10:93,640,965, plus strand): 5'-ATGTTATTTTTTTAGACAGGAAGATTAAAGAAGTACTACACAGATCTCGAAGCCTTTGCC[A>T]TGCTTGCTGCTGCTTTCTGCCATGATATTGACCACAGAGGCACCAATAATTTGTACCAGA-3'
Protein context (NP_006195.3, residues 585-605): KYYTDLEAFA[Met595Leu]LAAAFCHDID

ClinVar aggregate classification (germline): Uncertain significance (1 of 4 stars; one submission).

Allele frequency attached by ClinVar (database versions not stated): gnomAD exomes below 0.00001.

Submission:

Labcorp Genetics (formerly Invitae), Labcorp
Classification: Uncertain significance. Last evaluated: 2025-08-04. Review status: criteria provided, single submitter. Criteria: Invitae Variant Classification Sherloc (09022015). Collection method: clinical testing. Allele origin: germline.
Comment: This sequence change replaces methionine, which is neutral and non-polar, with leucine, which is neutral and non-polar, at codon 595 of the PDE6C protein (p.Met595Leu). This variant is not present in population databases (gnomAD no frequency). This variant has not been reported in the literature in individuals affected with PDE6C-related conditions. ClinVar contains an entry for this variant (Variation ID: 2121420). Invitae Evidence Modeling of protein sequence and biophysical properties (such as structural, functional, and spatial information, amino acid conservation, physicochemical variation, residue mobility, and thermodynamic stability) indicates that this missense variant is not expected to disrupt PDE6C protein function with a negative predictive value of 80%. In summary, the available evidence is currently insufficient to determine the role of this variant in disease. Therefore, it has been classified as a Variant of Uncertain Significance.